The following is an entry in ClinVar:

NM_001029883.3(PCARE):c.*1601G>A

Gene: PCARE (photoreceptor cilium actin regulator; minus strand). Cytogenetic location: 2p23.2.
Variant type: single nucleotide variant.
Coding change: c.*1601G>A on transcript NM_001029883.3 (MANE Select); 1601 bases downstream of the stop codon, G replaced by A.
Molecular consequence: 3 prime UTR variant.
Genome position (GRCh38, 1-based): chr2:29,063,268, C>T on the plus strand (G>A on the coding strand, the complement: PCARE is on the minus strand). VCF-style: chr2-29063268-C-T. GRCh37 (hg19) VCF-style: chr2-29286134-C-T.
Identifiers: ClinVar variation 335600 (VCV000335600.5), dbSNP rs72861029, ClinGen allele CA10613566.

ClinVar aggregate classification (germline): Likely benign (1 of 4 stars; one submission).

Conditions:
Retinitis pigmentosa (RP). Identifiers: Orphanet 791, MedGen C0035334, MeSH D012174, MONDO:0019200, OMIM 268000. Inheritance: Autosomal dominant, autosomal recessive and X linked inheritance.

Allele frequency attached by ClinVar (database versions not stated): gnomAD 0.01896 and 0.02029; 1000 Genomes Project 0.01997; TOPMed 0.02223; 1000 Genomes Project 30x 0.02295; gnomAD exomes 0.02381.
gnomAD v4.1: 2,885 of 152,390 alleles (1.9%); highest among the groups gnomAD compares: African/African-American, 5.8%; 83 homozygotes.

Submission:

Illumina Laboratory Services, Illumina
Classification: Likely benign for Retinitis pigmentosa. Last evaluated: 2018-01-13. Review status: criteria provided, single submitter. Criteria: ICSL Variant Classification Criteria 13 December 2019. Collection method: clinical testing. Allele origin: germline.
Comment: This variant was observed in the ICSL laboratory as part of a predisposition screen in an ostensibly healthy population. It had not been previously curated by ICSL or reported in the Human Gene Mutation Database (HGMD: prior to June 1st, 2018), and was therefore a candidate for classification through an automated scoring system. Utilizing variant allele frequency, disease prevalence and penetrance estimates, and inheritance mode, an automated score was calculated to assess if this variant is too frequent to cause the disease. Based on the score and internal cut-off values, a variant classified as likely benign is not then subjected to further curation. The score for this variant resulted in a classification of likely benign for this disease.